The following is an entry in ClinVar:

ClinVar aggregate classification (germline): Uncertain significance. Review status: criteria provided, multiple submitters, no conflicts (2 of 4 stars). 2 submissions from 2 submitters: Uncertain significance (2). Last evaluated 2024-05-11.

Conditions:
Cardiovascular phenotype. Identifiers: MedGen CN230736.
Brugada syndrome 4 (BRGDA4). Identifiers: Orphanet 130, MedGen C2678477, MONDO:0012743, OMIM 611876.

Allele frequency attached by ClinVar (database versions not stated): gnomAD 0.00001; gnomAD exomes 0.00001 and 0.00002; TOPMed 0.00001; ExAC 0.00005; ESP Exome Variant Server 0.00008.
gnomAD v4.1: 19 of 1,613,968 alleles (0.0012%); highest among the groups gnomAD compares: South Asian, 0.0033%; no homozygotes.

Submissions (2):

Ambry Genetics
Classification: Uncertain significance for Cardiovascular phenotype. Last evaluated: 2024-05-11. Review status: criteria provided, single submitter. Criteria: Ambry Variant Classification Scheme 2023. Collection method: clinical testing. Allele origin: germline.
Comment: The p.A64V variant (also known as c.191C>T), located in coding exon 3 of the CACNB2 gene, results from a C to T substitution at nucleotide position 191. The alanine at codon 64 is replaced by valine, an amino acid with similar properties. This amino acid position is conserved. In addition, this alteration is predicted to be deleterious by in silico analysis. Since supporting evidence is limited at this time, the clinical significance of this alteration remains unclear.

Labcorp Genetics (formerly Invitae), Labcorp
Classification: Uncertain significance for Brugada syndrome 4. Last evaluated: 2024-03-27. Review status: criteria provided, single submitter. Criteria: Invitae Variant Classification Sherloc (09022015). Collection method: clinical testing. Allele origin: germline.
Comment: This sequence change replaces alanine, which is neutral and non-polar, with valine, which is neutral and non-polar, at codon 64 of the CACNB2 protein (p.Ala64Val). This variant is present in population databases (rs371859398, gnomAD 0.007%). This variant has not been reported in the literature in individuals affected with CACNB2-related conditions. ClinVar contains an entry for this variant (Variation ID: 645733). Advanced modeling of protein sequence and biophysical properties (such as structural, functional, and spatial information, amino acid conservation, physicochemical variation, residue mobility, and thermodynamic stability) performed at Invitae indicates that this missense variant is not expected to disrupt CACNB2 protein function with a negative predictive value of 80%. In summary, the available evidence is currently insufficient to determine the role of this variant in disease. Therefore, it has been classified as a Variant of Uncertain Significance.

NM_201596.3(CACNB2):c.353C>T (p.Ala118Val)

Gene: CACNB2 (calcium voltage-gated channel auxiliary subunit beta 2; plus strand). Cytogenetic location: 10p12.31.
Variant type: single nucleotide variant.
Coding change: c.353C>T on transcript NM_201596.3 (MANE Select); coding-DNA position 353, C replaced by T.
Protein change: p.Ala118Val; replaces alanine 118 with valine.
Molecular consequence: missense variant.
Genome position (GRCh38, 1-based): chr10:18,498,374, C>T. VCF-style: chr10-18498374-C-T. GRCh37 (hg19) VCF-style: chr10-18787303-C-T.
Other names: c.188C>T, p.Ala63Val (NM_000724.4, NM_001330060.2); c.269C>T, p.Ala90Val (NM_001167945.2, NM_201571.4, NM_201572.4); c.209C>T, p.Ala70Val (NM_201570.3); c.191C>T, p.Ala64Val (NM_201590.3); c.353C>T, p.Ala118Val (NM_201593.3, NM_201597.3); short protein forms A63V, A64V, A70V, A90V, A118V.
Identifiers: ClinVar variation 645733 (VCV000645733.11), dbSNP rs371859398, ClinGen allele CA5429598.